The following is an entry in ClinVar:

ClinVar aggregate classification (germline): Uncertain significance (1 of 4 stars; one submission).

Conditions:
Cardiomyopathy (CMYO). Also called: Cardiomyopathies. Identifiers: Orphanet 167848, MedGen C0878544, MONDO:0004994, HP:0001638. Inheritance: Various modes of inheritance.

Submission:

All of Us Research Program, National Institutes of Health
Classification: Uncertain significance for Cardiomyopathy. Last evaluated: 2023-11-30. Review status: criteria provided, single submitter. Criteria: ACMG Guidelines, 2015. Collection method: clinical testing. Allele origin: germline. Inheritance: Autosomal dominant inheritance. Observed: 2 variant alleles, 2 heterozygotes.
Comment: This missense variant replaces glutamic acid with glycine at codon 1320 of the MYH7 protein. Computational prediction suggests that this variant may have deleterious impact on protein structure and function (internally defined REVEL score threshold >= 0.7, PMID: 27666373). To our knowledge, functional studies have not been reported for this variant. This variant has not been reported in individuals affected with MYH7-related disorders in the literature. This variant has not been identified in the general population by the Genome Aggregation Database (gnomAD). The available evidence is insufficient to determine the role of this variant in disease conclusively. Therefore, this variant is classified as a Variant of Uncertain Significance.

This study involves interpretation of variants in research participants for the purpose of population health screening. Participant phenotype was not available at the time of variant classification. Additional details can be found in publication PMID: 35346344, PMCID: PMC8962531

NM_000257.4(MYH7):c.3959A>G (p.Glu1320Gly)

Gene: MYH7 (myosin heavy chain 7; minus strand). Cytogenetic location: 14q11.2.
Variant type: single nucleotide variant.
Coding change: c.3959A>G on transcript NM_000257.4 (MANE Select); coding-DNA position 3959, A replaced by G.
Protein change: p.Glu1320Gly; replaces glutamic acid 1320 with glycine.
Molecular consequence: missense variant.
Genome position (GRCh38, 1-based): chr14:23,419,190, T>C on the plus strand (A>G on the coding strand, the complement: MYH7 is on the minus strand). VCF-style: chr14-23419190-T-C. GRCh37 (hg19) VCF-style: chr14-23888399-T-C.
Other names: c.3959A>G, p.Glu1320Gly (NM_001407004.1); short protein forms E1320G.
Identifiers: ClinVar variation 3072789 (VCV003072789.1), dbSNP rs2502260097, ClinGen allele CA389041457.
Genomic context (GRCh38, chr14:23,419,190, plus strand): 5'-TCAGTGTGCTCCTTGCTTGGGCCAGGTGGCCCGAGTCTAGCCCTTACCTTAACCTCCTCC[T>C]CCAGCTGCCTCTTGAGGTCCTCCAGCTGCTGGGTGTAGGTGAGCTTGCCTCGGGTCAGCT-3'
Protein context (NP_000248.2, residues 1310-1330): QQLEDLKRQL[Glu1320Gly]EEVKAKNALA